The following is an entry in ClinVar:

NM_000439.5(PCSK1):c.76A>G (p.Lys26Glu)

Genes: CAST (calpastatin; plus strand), PCSK1 (proprotein convertase subtilisin/kexin type 1; minus strand), LOC101929710 (uncharacterized LOC101929710; plus strand). Cytogenetic location: 5q15.
Variant type: single nucleotide variant.
Coding change: c.76A>G on transcript NM_000439.5 (MANE Select); coding-DNA position 76, A replaced by G.
Protein change: p.Lys26Glu; replaces lysine 26 with glutamic acid.
Molecular consequence: missense variant. On other transcripts: intron variant (11).
Genome position (GRCh38, 1-based): chr5:96,432,967, T>C on the plus strand (A>G on the coding strand, the complement: PCSK1 is on the minus strand). VCF-style: chr5-96432967-T-C. GRCh37 (hg19) VCF-style: chr5-95768671-T-C.
Other names: c.-175+53315T>C (NM_001423254.1, NM_001423259.1, NM_001423255.1 and 6 more transcripts); c.-103+53315T>C (NM_001423253.1); c.-40+53315T>C (NM_001423258.1); short protein forms K26E.
Identifiers: ClinVar variation 4993819 (VCV004993819.1).

ClinVar aggregate classification (germline): Uncertain significance (1 of 4 stars; one submission).

Conditions:
PCSK1-related disorder. Also called: PCSK1-related condition.

gnomAD v4.1: 45 of 1,614,020 alleles (0.0028%); highest among the groups gnomAD compares: Non-Finnish European, 0.0036%; no homozygotes.

Submission:

PreventionGenetics, part of Exact Sciences
Classification: Uncertain significance for PCSK1-related condition. Last evaluated: 2025-10-28. Review status: criteria provided, single submitter. Criteria: ACMG Guidelines, 2015. Collection method: clinical testing. Allele origin: germline.
Comment: The PCSK1 c.76A>G variant is predicted to result in the amino acid substitution p.Lys26Glu. This variant was reported in a patient with obesity (Supp. Table 1 in Creemers et al 2012 PubMed ID: 22210313). An in vitro study showed that this variant does not significantly affect the protein function and its protein has 84.9% of wild type activity (Table 1 in Shah et al. 2023 PubMed ID: 36864747). This variant is reported in 0.0018% of alleles in individuals of European (non-Finnish) descent in gnomAD. At this time, the clinical significance of this variant is uncertain due to the absence of conclusive functional and genetic evidence.